The following is an entry in ClinVar:

NM_002602.4(PDE6G):c.27G>C (p.Glu9Asp)

Gene: PDE6G (phosphodiesterase 6G; minus strand). Cytogenetic location: 17q25.3.
Variant type: single nucleotide variant.
Coding change: c.27G>C on transcript NM_002602.4 (MANE Select); coding-DNA position 27, G replaced by C.
Protein change: p.Glu9Asp; replaces glutamic acid 9 with aspartic acid.
Molecular consequence: missense variant.
Genome position (GRCh38, 1-based): chr17:81,653,279, C>G on the plus strand (G>C on the coding strand, the complement: PDE6G is on the minus strand). VCF-style: chr17-81653279-C-G. GRCh37 (hg19) VCF-style: chr17-79620309-C-G.
Other names: c.27G>C, p.Glu9Asp (NM_001365724.1, NM_001365725.1); short protein forms E9D.
Identifiers: ClinVar variation 1519594 (VCV001519594.8), dbSNP rs1283123496, ClinGen allele CA401474591.
Genomic context (GRCh38, chr17:81,653,279, plus strand): 5'-TTTAGGGGGCCCTTTCCTGGGGGTGACAGGTCCCCCGGCCACCCTGGTGGCTGACCGGAA[C>G]TCAGCCTTGGGCGGTTCCAGGTTCATGGTGAGGCTGACGGAGACACCGCGGCAACCTTGG-3'
Protein context (NP_002593.1, residues 1-19): MNLEPPKA[Glu9Asp]FRSATRVAGG

ClinVar aggregate classification (germline): Uncertain significance (1 of 4 stars; one submission).

Allele frequency attached by ClinVar (database versions not stated): gnomAD exomes below 0.00001.
gnomAD v4.1: 1 of 1,613,984 alleles (0.000062%); highest among the groups gnomAD compares: Admixed American, 0.0017%; no homozygotes.

Submission:

Labcorp Genetics (formerly Invitae), Labcorp
Classification: Uncertain significance. Last evaluated: 2021-07-15. Review status: criteria provided, single submitter. Criteria: Invitae Variant Classification Sherloc (09022015). Collection method: clinical testing. Allele origin: germline.
Comment: In summary, the available evidence is currently insufficient to determine the role of this variant in disease. Therefore, it has been classified as a Variant of Uncertain Significance. Algorithms developed to predict the effect of missense changes on protein structure and function are either unavailable or do not agree on the potential impact of this missense change (SIFT: "Deleterious"; PolyPhen-2: "Benign"; Align-GVGD: "Class C35"). This variant has not been reported in the literature in individuals affected with PDE6G-related conditions. This variant is not present in population databases (ExAC no frequency). This sequence change replaces glutamic acid with aspartic acid at codon 9 of the PDE6G protein (p.Glu9Asp). The glutamic acid residue is highly conserved and there is a small physicochemical difference between glutamic acid and aspartic acid.